The following is an entry in ClinVar:

ClinVar aggregate classification (germline): Uncertain significance. Review status: criteria provided, multiple submitters, no conflicts (2 of 4 stars). 2 submissions from 2 submitters: Uncertain significance (2). Last evaluated 2025-06-16.

Conditions:
Charcot-Marie-Tooth disease type 2. Also called: Charcot-Marie-Tooth type 2. Identifiers: Orphanet 64746, MedGen C0270914, MONDO:0018993.

Allele frequency attached by ClinVar (database versions not stated): TOPMed below 0.00001; gnomAD 0.00001; gnomAD exomes 0.00001.
gnomAD v4.1: 18 of 1,613,602 alleles (0.0011%); highest among the groups gnomAD compares: Admixed American, 0.0033%; no homozygotes.

Submissions (2):

Labcorp Genetics (formerly Invitae), Labcorp
Classification: Uncertain significance for Charcot-Marie-Tooth disease type 2. Last evaluated: 2025-06-16. Review status: criteria provided, single submitter. Criteria: Invitae Variant Classification Sherloc (09022015). Collection method: clinical testing. Allele origin: germline.
Comment: This sequence change falls in intron 6 of the KIF1B gene. It does not directly change the encoded amino acid sequence of the KIF1B protein. It affects a nucleotide within the consensus splice site. This variant is present in population databases (no rsID available, gnomAD 0.003%). This variant has not been reported in the literature in individuals affected with KIF1B-related conditions. ClinVar contains an entry for this variant (Variation ID: 1751447). Variants that disrupt the consensus splice site are a relatively common cause of aberrant splicing (PMID: 17576681, 9536098). Algorithms developed to predict the effect of sequence changes on RNA splicing suggest that this variant is not likely to affect RNA splicing. In summary, the available evidence is currently insufficient to determine the role of this variant in disease. Therefore, it has been classified as a Variant of Uncertain Significance.

Ambry Genetics
Classification: Uncertain significance. Last evaluated: 2024-05-29. Review status: criteria provided, single submitter. Criteria: Ambry Variant Classification Scheme 2023. Collection method: clinical testing. Allele origin: germline.
Comment: The c.608+3A>G intronic variant results from an A to G substitution 3 nucleotides after coding exon 5 in the KIF1B gene. This nucleotide position is well conserved in available vertebrate species. In silico splice site analysis predicts that this alteration will result in the creation or strengthening of a novel splice donor site. The evidence for this gene-disease relationship is limited; therefore, the clinical significance of this alteration is unclear.

Literature cited by the submitters: PubMed 17576681 (cited by Labcorp Genetics (formerly Invitae), Labcorp); PubMed 9536098 (cited by Labcorp Genetics (formerly Invitae), Labcorp).

NM_001365951.3(KIF1B):c.608+3A>G

Gene: KIF1B (kinesin family member 1B; plus strand). Cytogenetic location: 1p36.22.
Variant type: single nucleotide variant.
Coding change: c.608+3A>G on transcript NM_001365951.3 (MANE Select); 3 bases into the intron after coding-DNA position 608, A replaced by G.
Molecular consequence: intron variant.
Genome position (GRCh38, 1-based): chr1:10,267,561, A>G. VCF-style: chr1-10267561-A-G. GRCh37 (hg19) VCF-style: chr1-10327619-A-G.
Other names: c.608+3A>G (NM_183416.4, NM_015074.3, NM_001365952.1 and 1 more transcripts).
Identifiers: ClinVar variation 1751447 (VCV001751447.6), dbSNP rs1346721174, ClinGen allele CA521452512.